The following is an entry in ClinVar:

ClinVar aggregate classification (germline): Conflicting classifications of pathogenicity. Review status: criteria provided, conflicting classifications (1 of 4 stars). 3 submissions from 3 submitters: Uncertain significance (1); Likely benign (1). 1 of the submissions does not count toward it. Last evaluated 2024-09-11.

Conditions:
FDXR-related disorder. Also called: FDXR-related condition; FDXR-related disorders.

Allele frequency attached by ClinVar (database versions not stated): gnomAD exomes 0.00003 and 0.00012; TOPMed 0.00007; gnomAD 0.00009; ExAC 0.00015; 1000 Genomes Project 30x 0.00031; 1000 Genomes Project 0.00040.
gnomAD v4.1: 92 of 1,611,768 alleles (0.0057%); highest among the groups gnomAD compares: East Asian, 0.092%; 2 homozygotes.

Submissions (3):

Blueprint Genetics
Classification: Likely benign. Last evaluated: 2024-09-11. Review status: criteria provided, single submitter. Criteria: ACMG Guidelines, 2015. Collection method: clinical testing. Allele origin: germline.

GeneDx
Classification: Uncertain significance. Last evaluated: 2022-02-10. Review status: criteria provided, single submitter. Criteria: GeneDx Variant Classification Process June 2021. Collection method: clinical testing. Allele origin: germline. Affected: yes.
Comment: Has not been previously published as pathogenic or benign to our knowledge; In-silico analysis is inconclusive as to whether the variant alters gene splicing. In the absence of RNA/functional studies, the actual effect of this sequence change is unknown.

PreventionGenetics, part of Exact Sciences
Classification: Likely benign for FDXR-related condition. Last evaluated: 2024-09-17. Review status: no assertion criteria provided. Collection method: clinical testing. Allele origin: germline. Not counted in ClinVar's aggregate classification.
Comment: This variant is classified as likely benign based on ACMG/AMP sequence variant interpretation guidelines (Richards et al. 2015 PMID: 25741868, with internal and published modifications).

NM_024417.5(FDXR):c.178-20G>A

Gene: FDXR (ferredoxin reductase; minus strand). Cytogenetic location: 17q25.1.
Variant type: single nucleotide variant.
Coding change: c.178-20G>A on transcript NM_024417.5 (MANE Select); 20 bases into the intron before coding-DNA position 178, G replaced by A.
Molecular consequence: intron variant. On other transcripts: missense variant (1).
Genome position (GRCh38, 1-based): chr17:74,866,896, C>T on the plus strand (G>A on the coding strand, the complement: FDXR is on the minus strand). VCF-style: chr17-74866896-C-T. GRCh37 (hg19) VCF-style: chr17-72863018-C-T.
Other names: c.287G>A (NM_001258012.3); c.287G>A, p.Cys96Tyr (NM_001258012.4); c.178-20G>A (NM_001258014.4, NM_004110.6); c.178-17G>A (NM_001258015.3); c.271-20G>A (NM_001258013.4); c.22-20G>A (NM_001258016.3); short protein forms C96Y.
Identifiers: ClinVar variation 1341646 (VCV001341646.4), dbSNP rs201031869, ClinGen allele CA8753312.